The following is an entry in ClinVar:

ClinVar aggregate classification (germline): Pathogenic (1 of 4 stars; one submission).

Submission:

Labcorp Genetics (formerly Invitae), Labcorp
Classification: Pathogenic. Last evaluated: 2023-05-09. Review status: criteria provided, single submitter. Criteria: Invitae Variant Classification Sherloc (09022015). Collection method: clinical testing. Allele origin: germline.
Comment: For these reasons, this variant has been classified as Pathogenic. This variant has not been reported in the literature in individuals affected with MCM3AP-related conditions. This variant is a gross deletion of the genomic region encompassing exon(s) 1-13 of the MCM3AP gene, which includes the initiator codon. This deletion extends beyond the assayed region for this gene and therefore may encompass additional genes. It is expected to result in an absent or disrupted protein product. Loss-of-function variants in MCM3AP are known to be pathogenic (PMID: 28633435).

Literature cited by the submitters: PubMed 28633435.

NC_000021.8:g.(?_47684011)_(47705200_?)del

Gene: MCM3AP (minichromosome maintenance complex component 3 associated protein; minus strand). Cytogenetic location: 21q22.3.
Variant type: Deletion.
Identifiers: ClinVar variation 2424789 (VCV002424789.4).